The following is an entry in ClinVar:

ClinVar aggregate classification (germline): Uncertain significance (1 of 4 stars; one submission).

Conditions:
Multiple endocrine neoplasia, type 1 (MEN1). Also called: MEN I; WERMER SYNDROME; Endocrine adenomatosis multiple; MEN 1; MEA I. Identifiers: Orphanet 652, MedGen C0025267, MeSH D018761, MONDO:0007540, OMIM 131100.

Submission:

Labcorp Genetics (formerly Invitae), Labcorp
Classification: Uncertain significance for Multiple endocrine neoplasia, type 1. Last evaluated: 2024-06-13. Review status: criteria provided, single submitter. Criteria: Invitae Variant Classification Sherloc (09022015). Collection method: clinical testing. Allele origin: germline.
Comment: This sequence change replaces tryptophan, which is neutral and slightly polar, with cysteine, which is neutral and slightly polar, at codon 341 of the MEN1 protein (p.Trp341Cys). This variant is not present in population databases (gnomAD no frequency). This variant has not been reported in the literature in individuals affected with MEN1-related conditions. ClinVar contains an entry for this variant (Variation ID: 2418690). Advanced modeling of protein sequence and biophysical properties (such as structural, functional, and spatial information, amino acid conservation, physicochemical variation, residue mobility, and thermodynamic stability) performed at Invitae indicates that this missense variant is expected to disrupt MEN1 protein function with a positive predictive value of 95%. In summary, the available evidence is currently insufficient to determine the role of this variant in disease. Therefore, it has been classified as a Variant of Uncertain Significance.

NM_001370259.2(MEN1):c.1023G>C (p.Trp341Cys)

Gene: MEN1 (menin 1; minus strand). Cytogenetic location: 11q13.1.
Variant type: single nucleotide variant.
Coding change: c.1023G>C on transcript NM_001370259.2 (MANE Select); coding-DNA position 1023, G replaced by C.
Protein change: p.Trp341Cys; replaces tryptophan 341 with cysteine.
Molecular consequence: missense variant.
Genome position (GRCh38, 1-based): chr11:64,806,258, C>G on the plus strand (G>C on the coding strand, the complement: MEN1 is on the minus strand). VCF-style: chr11-64806258-C-G. GRCh37 (hg19) VCF-style: chr11-64573730-C-G.
Other names: c.1038G>C, p.Trp346Cys (NM_000244.4, NM_001407145.1, NM_001407150.1 and 5 more transcripts); c.1023G>C, p.Trp341Cys (NM_001370251.2, NM_001370260.2, NM_001370261.2 and 7 more transcripts); c.918G>C, p.Trp306Cys (NM_001370262.2, NM_001370263.2, NM_001407148.1 and 2 more transcripts); short protein forms W306C, W341C, W346C.
Identifiers: ClinVar variation 2418690 (VCV002418690.5), dbSNP rs1941717384, ClinGen allele CA381183226.